The following is an entry in ClinVar:

NM_000399.5(EGR2):c.1090_1092dup (p.His364dup)

Gene: EGR2 (early growth response 2; minus strand). Cytogenetic location: 10q21.3.
Variant type: Duplication.
Coding change: c.1090_1092dup on transcript NM_000399.5 (MANE Select); coding-DNA positions 1090 to 1092, 3 bases duplicated (CAC; older notation c.1090_1092dupCAC).
Protein change: p.His364dup; duplicates histidine 364.
Molecular consequence: inframe insertion.
Genome position (GRCh38, 1-based): chr10:62,813,546-62,813,548, GTG duplicated on the plus strand (CAC on the coding strand, the reverse complement: EGR2 is on the minus strand); duplicating any 3 consecutive bases within chr10:62,813,546-62,813,549 gives the same sequence; the c. name uses the placement nearest the transcript's 3' end. VCF-style (leftmost placement, unchanged base first): chr10-62813545-T-TGTG. GRCh37 (hg19) VCF-style: chr10-64573305-T-TGTG.
Other names: c.1090_1092dup, p.His364dup (NM_001136177.3, NM_001136178.2); c.940_942dup, p.His314dup (NM_001136179.3, NM_001321037.2).
Identifiers: ClinVar variation 1024981 (VCV001024981.9), dbSNP rs1842170750, ClinGen allele CA1914712781.
Genomic context (GRCh38, chr10:62,813,545, plus strand): 5'-GGTGGTCACTGCGGCTGAAGTTGCGCATGCAGATCCGACACTGGAAGGGCTTATGCCCAG[T>TGTG]GTGGATTCGGATGTGCCGTGTCAGCTCGTCAGAGCGGGAGAACCGCCGGTCGCAGCCTTC-3'

ClinVar aggregate classification (germline): Uncertain significance (1 of 4 stars; one submission).

Conditions:
Charcot-Marie-Tooth disease, type I (CMT1). Also called: Charcot-Marie-Tooth, Type 1; Charcot-Marie-Tooth disease type 1. Identifiers: Orphanet 65753, MedGen C0751036, MONDO:0019011.

Submission:

Labcorp Genetics (formerly Invitae), Labcorp
Classification: Uncertain significance for Charcot-Marie-Tooth disease, type I. Last evaluated: 2020-01-26. Review status: criteria provided, single submitter. Criteria: Invitae Variant Classification Sherloc (09022015). Collection method: clinical testing. Allele origin: germline.
Comment: Experimental studies and prediction algorithms are not available or were not evaluated, and the functional significance of this variant is currently unknown. In summary, the available evidence is currently insufficient to determine the role of this variant in disease. Therefore, it has been classified as a Variant of Uncertain Significance. This variant has not been reported in the literature in individuals with EGR2-related conditions. This variant is not present in population databases (ExAC no frequency). This variant, c.1090_1092dup, results in the insertion of 1 amino acid(s) to the EGR2 protein (p.His364dup), but otherwise preserves the integrity of the reading frame.